The following is an entry in ClinVar:

ClinVar aggregate classification (germline): Uncertain significance. Review status: criteria provided, multiple submitters, no conflicts (2 of 4 stars). 5 submissions from 5 submitters: Uncertain significance (5). Last evaluated 2025-10-08.

Conditions:
Cardiac arrhythmia. Also called: Arrhythmia; Cardiac rhythm disease. Identifiers: MedGen C0003811, MONDO:0007263, HP:0011675.
Long QT syndrome (LQTS). Identifiers: MedGen C0023976, MeSH D008133, MONDO:0002442. Disease mechanism: loss of function. Inheritance: Various modes of inheritance.
Short QT syndrome type 1. Identifiers: Orphanet 51083, MedGen C1865020, MONDO:0012312, OMIM 609620.
Long QT syndrome 2 (LQT2). Identifiers: Orphanet 101016, Orphanet 768, MedGen C3150943, MONDO:0013367, OMIM 613688.

Allele frequency attached by ClinVar (database versions not stated): TOPMed below 0.00001; gnomAD 0.00001; gnomAD exomes 0.00001 and 0.00003; ExAC 0.00014.
gnomAD v4.1: 12 of 1,593,064 alleles (0.00075%); highest among the groups gnomAD compares: Non-Finnish European, 0.001%; no homozygotes.

Submissions (5):

Labcorp Genetics (formerly Invitae), Labcorp
Classification: Uncertain significance for Long QT syndrome. Last evaluated: 2025-10-08. Review status: criteria provided, single submitter. Criteria: Invitae Variant Classification Sherloc (09022015). Collection method: clinical testing. Allele origin: germline.
Comment: This sequence change replaces alanine, which is neutral and non-polar, with threonine, which is neutral and polar, at codon 990 of the KCNH2 protein (p.Ala990Thr). The frequency data for this variant in the population databases is considered unreliable, as metrics indicate poor data quality at this position in the gnomAD database. This variant has not been reported in the literature in individuals affected with KCNH2-related conditions. ClinVar contains an entry for this variant (Variation ID: 968306). An algorithm developed to predict the effect of missense changes on protein structure and function (PolyPhen-2) suggests that this variant is likely to be disruptive. In summary, the available evidence is currently insufficient to determine the role of this variant in disease. Therefore, it has been classified as a Variant of Uncertain Significance.

Color Diagnostics, LLC DBA Color Health
Classification: Uncertain significance for Cardiac arrhythmia. Last evaluated: 2025-05-27. Review status: criteria provided, single submitter. Criteria: ACMG Guidelines, 2015. Collection method: clinical testing. Allele origin: germline.
Comment: This missense variant replaces alanine with threonine at codon 990 of the KCNH2 protein. Computational prediction is inconclusive regarding the impact of this variant on protein structure and function. To our knowledge, functional studies have not been reported for this variant. This variant has been reported in an individual affected with epilepsy (PMID: 31696929). This variant has been identified in 6/209962 chromosomes in the general population by the Genome Aggregation Database (gnomAD). The available evidence is insufficient to determine the role of this variant in disease conclusively. Therefore, this variant is classified as a Variant of Uncertain Significance.

GeneDx
Classification: Uncertain significance. Last evaluated: 2023-10-06. Review status: criteria provided, single submitter. Criteria: GeneDx Variant Classification Process June 2021. Collection method: clinical testing. Allele origin: germline. Affected: yes.
Comment: In silico analysis supports that this missense variant does not alter protein structure/function; Has not been previously published as pathogenic or benign to our knowledge

All of Us Research Program, National Institutes of Health
Classification: Uncertain significance for Long QT syndrome. Last evaluated: 2023-10-02. Review status: criteria provided, single submitter. Criteria: ACMG Guidelines, 2015. Collection method: clinical testing. Allele origin: germline. Inheritance: Autosomal dominant inheritance. Observed: 3 variant alleles, 3 heterozygotes.
Comment: This missense variant replaces alanine with threonine at codon 990 of the KCNH2 protein. Computational prediction is inconclusive regarding the impact of this variant on protein structure and function (internally defined REVEL score threshold 0.5 < inconclusive < 0.7, PMID: 27666373). To our knowledge, functional studies have not been reported for this variant. This variant has not been reported in individuals affected with cardiovascular disorders in the literature. This variant has been identified in 6/209962 chromosomes in the general population by the Genome Aggregation Database (gnomAD). The available evidence is insufficient to determine the role of this variant in disease conclusively. Therefore, this variant is classified as a Variant of Uncertain Significance.

This study involves interpretation of variants in research participants for the purpose of population health screening. Participant phenotype was not available at the time of variant classification. Additional details can be found in publication PMID: 35346344, PMCID: PMC8962531

Fulgent Genetics
Classification: Uncertain significance for Short QT syndrome type 1; Long QT syndrome 2. Last evaluated: 2021-08-12. Review status: criteria provided, single submitter. Criteria: ACMG Guidelines, 2015. Collection method: clinical testing. Allele origin: unknown.

Literature cited by the submitters: PubMed 31696929 (cited by Color Diagnostics, LLC DBA Color Health).

NM_000238.4(KCNH2):c.2968G>A (p.Ala990Thr)

Gene: KCNH2 (potassium voltage-gated channel subfamily H member 2; minus strand). Cytogenetic location: 7q36.1.
Variant type: single nucleotide variant.
Coding change: c.2968G>A on transcript NM_000238.4 (MANE Select); coding-DNA position 2968, G replaced by A.
Protein change: p.Ala990Thr; replaces alanine 990 with threonine.
Molecular consequence: missense variant.
Genome position (GRCh38, 1-based): chr7:150,947,512, C>T on the plus strand (G>A on the coding strand, the complement: KCNH2 is on the minus strand). VCF-style: chr7-150947512-C-T. GRCh37 (hg19) VCF-style: chr7-150644600-C-T.
Other names: c.1948G>A, p.Ala650Thr (NM_172057.3); c.2968G>A (NM_000238.2); short protein forms A650T, A990T.
Identifiers: ClinVar variation 968306 (VCV000968306.19), dbSNP rs754362735, ClinGen allele CA036209.